The following is an entry in ClinVar:

NC_000017.10:g.(?_59760657)_(59821962_?)del

Gene: BRIP1 (BRCA1 interacting DNA helicase 1; minus strand). Cytogenetic location: 17q23.2.
Variant type: Deletion.
Identifiers: ClinVar variation 1076359 (VCV001076359.4).

ClinVar aggregate classification (germline): Pathogenic (1 of 4 stars; one submission).

Conditions:
Fanconi anemia complementation group J. Also called: BRIP1-Related Fanconi Anemia. Identifiers: Orphanet 84, MedGen C1836860, MONDO:0012187, OMIM 609054.
Familial cancer of breast. Also called: BREAST CANCER, FAMILIAL; hereditary breast carcinoma; Hereditary breast cancer. Identifiers: Orphanet 227535, MedGen C0346153, MONDO:0016419, OMIM 114480. Disease mechanism: loss of function.

Submission:

Labcorp Genetics (formerly Invitae), Labcorp
Classification: Pathogenic for Familial cancer of breast; Fanconi anemia complementation group J. Last evaluated: 2020-07-30. Review status: criteria provided, single submitter. Criteria: Invitae Variant Classification Sherloc (09022015). Collection method: clinical testing. Allele origin: germline.
Comment: This variant is a gross deletion of the genomic region encompassing exon(s) 15-20 of the BRIP1 gene. The 5' boundary is likely confined to intron 14. The 3' end of this event is unknown as it extends through the termination codon beyond the assayed region for this gene and may encompass additional genes. While this deletion is not anticipated to result in nonsense mediated decay, it is expected to create a truncated protein product or disrupt mRNA translation. This variant has not been reported in the literature in individuals with BRIP1-related conditions. This variant disrupts the C-terminus of the BRIP1 protein. Other variant(s) that disrupt this region (c.2992_2995delAAGA) have been determined to be pathogenic (PMID: 18628483, 26921362). This suggests that variants that disrupt this region of the protein are likely to be causative of disease. For these reasons, this variant has been classified as Pathogenic.

Literature cited by the submitters: PubMed 18628483; PubMed 26921362.